The following is an entry in ClinVar:

NM_000059.4(BRCA2):c.1058C>G (p.Ser353Ter)

Gene: BRCA2 (BRCA2 DNA repair associated; plus strand). Cytogenetic location: 13q13.1.
Variant type: single nucleotide variant.
Coding change: c.1058C>G on transcript NM_000059.4 (MANE Select); coding-DNA position 1058, C replaced by G.
Protein change: p.Ser353Ter; replaces serine 353 with a stop codon.
Molecular consequence: nonsense.
Genome position (GRCh38, 1-based): chr13:32,332,536, C>G. VCF-style: chr13-32332536-C-G. GRCh37 (hg19) VCF-style: chr13-32906673-C-G.
Other names: 1286C>G (Ser353X); short protein forms S353*.
Identifiers: ClinVar variation 266606 (VCV000266606.5), dbSNP rs769368098, ClinGen allele CA10589070.
Genomic context (GRCh38, chr13:32,332,536, plus strand): 5'-TCCATGAAGCAAACGCTGATGAATGTGAAAAATCTAAAAACCAAGTGAAAGAAAAATACT[C>G]ATTTGTATCTGAAGTGGAACCAAATGATACTGATCCATTAGATTCAAATGTAGCAAATCA-3'

ClinVar aggregate classification (germline): Pathogenic. Review status: reviewed by expert panel (3 of 4 stars). 2 submissions from 2 submitters: Pathogenic (1). 1 of the submissions does not count toward it. Last evaluated 2016-10-18.

Conditions:
Breast-ovarian cancer, familial, susceptibility to, 2 (BROVCA2). Also called: BRCA2 Hereditary Breast and Ovarian Cancer. Identifiers: Orphanet 145, MedGen C2675520, MONDO:0012933, OMIM 612555. Disease mechanism: loss of function.

Submissions (2):

Evidence-based Network for the Interpretation of Germline Mutant Alleles (ENIGMA)
Classification: Pathogenic for Breast-ovarian cancer, familial, susceptibility to, 2. Last evaluated: 2016-10-18. Review status: reviewed by expert panel. Criteria: ENIGMA BRCA1/2 Classification Criteria (2015). Collection method: curation. Allele origin: germline.
Comment: Variant allele predicted to encode a truncated non-functional protein.

Consortium of Investigators of Modifiers of BRCA1/2 (CIMBA), c/o University of Cambridge
Classification: Pathogenic for Breast-ovarian cancer, familial, susceptibility to, 2. Last evaluated: 2015-10-02. Review status: criteria provided, single submitter. Criteria: CIMBA Mutation Classification guidelines May 2016. Collection method: clinical testing. Allele origin: germline. Not counted in ClinVar's aggregate classification.